The following is an entry in ClinVar:

ClinVar aggregate classification (germline): Uncertain significance (1 of 4 stars; one submission).

Conditions:
5-Oxoprolinase deficiency (OPLAHD). Also called: 5-OXOPROLINURIA DUE TO 5-OXOPROLINASE DEFICIENCY. Identifiers: Orphanet 33572, MedGen C0268525, MONDO:0009825, OMIM 260005, HP:0040142.

Allele frequency attached by ClinVar (database versions not stated): gnomAD 0.00001; ExAC 0.00002; TOPMed 0.00003.
gnomAD v4.1: 6 of 1,589,776 alleles (0.00038%); highest among the groups gnomAD compares: East Asian, 0.0023%; no homozygotes.

Submission:

Labcorp Genetics (formerly Invitae), Labcorp
Classification: Uncertain significance for 5-Oxoprolinase deficiency. Last evaluated: 2022-06-14. Review status: criteria provided, single submitter. Criteria: Invitae Variant Classification Sherloc (09022015). Collection method: clinical testing. Allele origin: germline.
Comment: This sequence change replaces arginine, which is basic and polar, with histidine, which is basic and polar, at codon 553 of the OPLAH protein (p.Arg553His). The frequency data for this variant in the population databases is considered unreliable, as metrics indicate poor data quality at this position in the gnomAD database. This variant has not been reported in the literature in individuals affected with OPLAH-related conditions. Algorithms developed to predict the effect of missense changes on protein structure and function output the following: SIFT: "Not Available"; PolyPhen-2: "Benign"; Align-GVGD: "Not Available". The histidine amino acid residue is found in multiple mammalian species, which suggests that this missense change does not adversely affect protein function. In summary, the available evidence is currently insufficient to determine the role of this variant in disease. Therefore, it has been classified as a Variant of Uncertain Significance.

NM_017570.5(OPLAH):c.1658G>A (p.Arg553His)

Gene: OPLAH (5-oxoprolinase, ATP-hydrolysing; minus strand). Cytogenetic location: 8q24.3.
Variant type: single nucleotide variant.
Coding change: c.1658G>A on transcript NM_017570.5 (MANE Select); coding-DNA position 1658, G replaced by A.
Protein change: p.Arg553His; replaces arginine 553 with histidine.
Molecular consequence: missense variant.
Genome position (GRCh38, 1-based): chr8:144,056,996, C>T on the plus strand (G>A on the coding strand, the complement: OPLAH is on the minus strand). VCF-style: chr8-144056996-C-T. GRCh37 (hg19) VCF-style: chr8-145111899-C-T.
Other names: short protein forms R553H.
Identifiers: ClinVar variation 2050993 (VCV002050993.1), dbSNP rs530154461, ClinGen allele CA4931770.